The following is an entry in ClinVar:

ClinVar aggregate classification (germline): Uncertain significance (0 of 4 stars; one submission).

Conditions:
SLC40A1-related disorder. Also called: SLC40A1-related condition.

Submission:

PreventionGenetics, part of Exact Sciences
Classification: Uncertain significance for SLC40A1-related condition. Last evaluated: 2024-03-14. Review status: no assertion criteria provided. Collection method: clinical testing. Allele origin: germline.
Comment: The SLC40A1 c.958A>C variant is predicted to result in the amino acid substitution p.Thr320Pro. To our knowledge, this variant has not been reported in the literature or in a large population database, indicating this variant is rare. At this time, the clinical significance of this variant is uncertain due to the absence of conclusive functional and genetic evidence.

NM_014585.6(SLC40A1):c.958A>C (p.Thr320Pro)

Gene: SLC40A1 (solute carrier family 40 member 1; minus strand). Cytogenetic location: 2q32.2.
Variant type: single nucleotide variant.
Coding change: c.958A>C on transcript NM_014585.6 (MANE Select); coding-DNA position 958, A replaced by C.
Protein change: p.Thr320Pro; replaces threonine 320 with proline.
Molecular consequence: missense variant.
Genome position (GRCh38, 1-based): chr2:189,564,028, T>G on the plus strand (A>C on the coding strand, the complement: SLC40A1 is on the minus strand). VCF-style: chr2-189564028-T-G. GRCh37 (hg19) VCF-style: chr2-190428754-T-G.
Other names: short protein forms T320P.
Identifiers: ClinVar variation 3347987 (VCV003347987.1).